The following is an entry in ClinVar:

NM_000020.3(ACVRL1):c.1111G>A (p.Gly371Ser)

Gene: ACVRL1 (activin A receptor like type 1; plus strand). Cytogenetic location: 12q13.13.
Variant type: single nucleotide variant.
Coding change: c.1111G>A on transcript NM_000020.3 (MANE Select); coding-DNA position 1111, G replaced by A.
Protein change: p.Gly371Ser; replaces glycine 371 with serine.
Molecular consequence: missense variant.
Genome position (GRCh38, 1-based): chr12:51,916,098, G>A. VCF-style: chr12-51916098-G-A. GRCh37 (hg19) VCF-style: chr12-52309882-G-A.
Other names: c.1111G>A, p.Gly371Ser (NM_001077401.2, NM_001406487.1, NM_001406488.1 and 1 more transcripts); c.799G>A, p.Gly267Ser (NM_001406490.1, NM_001406491.1, NM_001406492.1 and 1 more transcripts); c.547G>A, p.Gly183Ser (NM_001406495.1); short protein forms G183S, G267S, G371S.
Identifiers: ClinVar variation 1795301 (VCV001795301.5), dbSNP rs2139076199, ClinGen allele CA384902330.

ClinVar aggregate classification (germline): Conflicting classifications of pathogenicity. Review status: criteria provided, conflicting classifications (1 of 4 stars). 3 submissions from 3 submitters: Likely pathogenic (1); Uncertain significance (2). Last evaluated 2025-02-25.

Conditions:
Telangiectasia, hereditary hemorrhagic, type 2 (HHT2). Also called: Telangiectasia, hereditary hemorrhagic, type II; ACVRL1-Related Hereditary Hemorrhagic Telangiectasia. Identifiers: Orphanet 774, MedGen C1838163, MONDO:0010880, OMIM 600376. Disease mechanism: loss of function.
Cardiovascular phenotype. Identifiers: MedGen CN230736.

Submissions (3):

Labcorp Genetics (formerly Invitae), Labcorp
Classification: Uncertain significance for Telangiectasia, hereditary hemorrhagic, type 2. Last evaluated: 2025-02-25. Review status: criteria provided, single submitter. Criteria: Invitae Variant Classification Sherloc (09022015). Collection method: clinical testing. Allele origin: germline.
Comment: This sequence change replaces glycine, which is neutral and non-polar, with serine, which is neutral and polar, at codon 371 of the ACVRL1 protein (p.Gly371Ser). This variant is not present in population databases (gnomAD no frequency). This missense change has been observed in individual(s) with clinical features of ACVRL1-related conditions (PMID: 21158752; internal data). ClinVar contains an entry for this variant (Variation ID: 1795301). Invitae Evidence Modeling of protein sequence and biophysical properties (such as structural, functional, and spatial information, amino acid conservation, physicochemical variation, residue mobility, and thermodynamic stability) indicates that this missense variant is expected to disrupt ACVRL1 protein function with a positive predictive value of 95%. This variant disrupts the p.Gly371 amino acid residue in ACVRL1. Other variant(s) that disrupt this residue have been observed in individuals with ACVRL1-related conditions (internal data), which suggests that this may be a clinically significant amino acid residue. In summary, the available evidence is currently insufficient to determine the role of this variant in disease. Therefore, it has been classified as a Variant of Uncertain Significance.

Ambry Genetics
Classification: Likely pathogenic for Cardiovascular phenotype. Last evaluated: 2024-11-06. Review status: criteria provided, single submitter. Criteria: Ambry Variant Classification Scheme 2023. Collection method: clinical testing. Allele origin: germline.
Comment: The p.G371S variant (also known as c.1111G>A), located in coding exon 7 of the ACVRL1 gene, results from a G to A substitution at nucleotide position 1111. The glycine at codon 371 is replaced by serine, an amino acid with similar properties. This variant was detected in an individual with gastrointestinal telangiectasias and a positive family history (McDonald J et al. Clin. Genet., 2011 Apr;79:335-44). This variant has been observed in at least one individual with a personal and/or family history that is consistent with hereditary hemorrhagic telangiectasia (HHT) (Ambry internal data). This amino acid position is highly conserved in available vertebrate species. In addition, this alteration is predicted to be deleterious by in silico analysis. This variant is considered to be rare based on population cohorts in the Genome Aggregation Database (gnomAD). Based on the majority of available evidence to date, this variant is likely to be pathogenic.

GeneDx
Classification: Uncertain significance. Last evaluated: 2024-10-08. Review status: criteria provided, single submitter. Criteria: GeneDx Variant Classification Process June 2021. Collection method: clinical testing. Allele origin: germline. Affected: yes.
Comment: Identified in a patient with HHT in published literature (PMID: 21158752); Not observed at significant frequency in large population cohorts (gnomAD); In silico analysis supports that this missense variant has a deleterious effect on protein structure/function; This variant is associated with the following publications: (PMID: 21158752)

Literature cited by the submitters: PubMed 21158752 (cited by Labcorp Genetics (formerly Invitae), Labcorp and Ambry Genetics).